The following is an entry in ClinVar:

ClinVar aggregate classification (germline): Likely benign (1 of 4 stars; one submission).

Allele frequency attached by ClinVar (database versions not stated): 1000 Genomes Project 0.00040; 1000 Genomes Project 30x 0.00109.

Submission:

CeGaT Center for Human Genetics Tuebingen
Classification: Likely benign. Last evaluated: 2022-06-01. Review status: criteria provided, single submitter. Criteria: CeGaT Center For Human Genetics Tuebingen Variant Classification Criteria Version 2. Collection method: clinical testing. Allele origin: germline. Affected: yes. Observed: 1 variant allele.
Comment: WIZ: BP4, BP7

NM_001371589.1(WIZ):c.3681C>A (p.Pro1227=)

Gene: WIZ (WIZ zinc finger; minus strand). Cytogenetic location: 19p13.12.
Variant type: single nucleotide variant.
Coding change: c.3681C>A on transcript NM_001371589.1 (MANE Select); coding-DNA position 3681, C replaced by A.
Protein change: p.Pro1227=; no amino-acid change (proline 1227 retained).
Molecular consequence: synonymous variant. On other transcripts: intron variant (3).
Genome position (GRCh38, 1-based): chr19:15,428,243, G>T on the plus strand (C>A on the coding strand, the complement: WIZ is on the minus strand). VCF-style: chr19-15428243-G-T. GRCh37 (hg19) VCF-style: chr19-15539054-G-T.
Other names: c.1212C>A, p.Pro404= (NM_001371603.5); c.530-710C>A (NM_021241.3); c.3245-710C>A (NM_001411129.1); c.947-710C>A (NM_001330395.4).
Identifiers: ClinVar variation 2649493 (VCV002649493.24), dbSNP rs554897536, ClinGen allele CA9267839.